The following is an entry in ClinVar:

NM_000051.4(ATM):c.8671+8A>G

Genes: ATM (ATM serine/threonine kinase; plus strand), C11orf65 (chromosome 11 open reading frame 65; minus strand). Cytogenetic location: 11q22.3.
Variant type: single nucleotide variant.
Coding change: c.8671+8A>G on transcript NM_000051.4 (MANE Select); 8 bases into the intron after coding-DNA position 8671, A replaced by G.
Molecular consequence: intron variant.
Genome position (GRCh38, 1-based): chr11:108,347,373, A>G. VCF-style: chr11-108347373-A-G. GRCh37 (hg19) VCF-style: chr11-108218100-A-G.
Other names: c.8671+8A>G (NM_001351834.2); c.641-38302T>C (NM_001330368.2); c.695-12081T>C (NM_001351110.2).
Identifiers: ClinVar variation 3254067 (VCV003254067.1), dbSNP rs2547463116.
Genomic context (GRCh38, chr11:108,347,373, plus strand): 5'-ACAGAATATCTTGATAAATGAGCAGTCAGCAGAACTTGTACATATAGATCTAGGTAAGTA[A>G]TAAAATCTATGTATCTATTCTTTTTAGTAAATATTTGGTCATCATGGAATGTTGTTTGCC-3'

ClinVar aggregate classification (germline): Likely benign (1 of 4 stars; one submission).

Conditions:
Familial cancer of breast. Also called: hereditary breast carcinoma; BREAST CANCER, FAMILIAL; Hereditary breast cancer. Identifiers: Orphanet 227535, MedGen C0346153, MONDO:0016419, OMIM 114480. Disease mechanism: loss of function.

Submission:

Myriad Genetics, Inc.
Classification: Likely benign for Familial cancer of breast. Last evaluated: 2024-06-20. Review status: criteria provided, single submitter. Criteria: Myriad Autosomal Dominant, Autosomal Recessive and X-Linked Classification Criteria (2023). Collection method: clinical testing. Allele origin: unknown.
Comment: This variant is considered likely benign. This variant is intronic and is not expected to impact mRNA splicing.